The following is an entry in ClinVar:

ClinVar aggregate classification (germline): Pathogenic (0 of 4 stars; one submission).

Conditions:
Fanconi anemia complementation group A (FANCA). Also called: Fanconi anemia, group A; FANCA-Related Fanconi Anemia. Identifiers: Orphanet 84, MedGen C3469521, MONDO:0009215, OMIM 227650.

Submission:

Leiden Open Variation Database
Classification: Pathogenic for Fanconi anemia complementation group A. Last evaluated: 2020-02-28. Review status: no assertion criteria provided. Collection method: curation. Allele origin: germline. Affected: yes.
Comment: Curator: Arleen D. Auerbach. Submitter to LOVD: Arleen D. Auerbach.

Literature cited by the submitters: PubMed 25168418.

NC_000016.10:g.88334913_88350576del

Variant type: Deletion.
Identifiers: ClinVar variation 974112 (VCV000974112.1).